The following is an entry in ClinVar:

NM_033118.4(MYLK2):c.1170C>G (p.Ile390Met)

Gene: MYLK2 (myosin light chain kinase 2; plus strand). Cytogenetic location: 20q11.21.
Variant type: single nucleotide variant.
Coding change: c.1170C>G on transcript NM_033118.4 (MANE Select); coding-DNA position 1170, C replaced by G.
Protein change: p.Ile390Met; replaces isoleucine 390 with methionine.
Molecular consequence: missense variant.
Genome position (GRCh38, 1-based): chr20:31,826,884, C>G. VCF-style: chr20-31826884-C-G. GRCh37 (hg19) VCF-style: chr20-30414687-C-G.
Other names: short protein forms I390M.
Identifiers: ClinVar variation 1739430 (VCV001739430.2), dbSNP rs2515457220, ClinGen allele CA408527260.

ClinVar aggregate classification (germline): Uncertain significance (1 of 4 stars; one submission).

Submission:

Ambry Genetics
Classification: Uncertain significance. Last evaluated: 2022-10-02. Review status: criteria provided, single submitter. Criteria: Ambry Variant Classification Scheme 2023. Collection method: clinical testing. Allele origin: germline.
Comment: The p.I390M variant (also known as c.1170C>G), located in coding exon 7 of the MYLK2 gene, results from a C to G substitution at nucleotide position 1170. The isoleucine at codon 390 is replaced by methionine, an amino acid with highly similar properties. This amino acid position is conserved. In addition, the in silico prediction for this alteration is inconclusive. Since supporting evidence is limited at this time, the clinical significance of this alteration remains unclear.